The following is an entry in ClinVar:

ClinVar aggregate classification (germline): Likely benign (1 of 4 stars; one submission).

Conditions:
Maturity-onset diabetes of the young type 3. Also called: MODY, type III; MODY type 3. Identifiers: Orphanet 552, MedGen C1838100, MeSH C563933, MONDO:0010894, OMIM 600496. Disease mechanism: loss of function.

Allele frequency attached by ClinVar (database versions not stated): gnomAD 0.00011 and 0.00016; gnomAD exomes 0.00017; TOPMed 0.00045; 1000 Genomes Project 0.00140; 1000 Genomes Project 30x 0.00156.
gnomAD v4.1: 84 of 515,156 alleles (0.016%); highest among the groups gnomAD compares: East Asian, 0.27%; no homozygotes.

Submission:

Illumina Laboratory Services, Illumina
Classification: Likely benign for Maturity-onset diabetes of the young type 3. Last evaluated: 2018-01-12. Review status: criteria provided, single submitter. Criteria: ICSL Variant Classification Criteria 13 December 2019. Collection method: clinical testing. Allele origin: germline.
Comment: This variant was observed in the ICSL laboratory as part of a predisposition screen in an ostensibly healthy population. It had not been previously curated by ICSL or reported in the Human Gene Mutation Database (HGMD: prior to June 1st, 2018), and was therefore a candidate for classification through an automated scoring system. Utilizing variant allele frequency, disease prevalence and penetrance estimates, and inheritance mode, an automated score was calculated to assess if this variant is too frequent to cause the disease. Based on the score and internal cut-off values, a variant classified as likely benign is not then subjected to further curation. The score for this variant resulted in a classification of likely benign for this disease.

NM_000545.8(HNF1A):c.*267T>C

Genes: C12orf43 (chromosome 12 open reading frame 43; minus strand), HNF1A (HNF1 homeobox A; plus strand). Cytogenetic location: 12q24.31.
Variant type: single nucleotide variant.
Coding change: c.*267T>C on transcript NM_000545.8 (MANE Select); 267 bases downstream of the stop codon, T replaced by C.
Molecular consequence: 3 prime UTR variant.
Genome position (GRCh38, 1-based): chr12:121,001,459, T>C. VCF-style: chr12-121001459-T-C. GRCh37 (hg19) VCF-style: chr12-121439262-T-C.
Other names: c.*2694A>G (NM_001286191.2, NM_001286196.2, NM_022895.3); c.*267T>C (NM_001306179.2, NM_001406915.1).
Identifiers: ClinVar variation 307466 (VCV000307466.5), dbSNP rs571084139, ClinGen allele CA10641198.